The following is an entry in ClinVar:

NM_194454.3(KRIT1):c.1687T>C (p.Tyr563His)

Gene: KRIT1 (KRIT1 ankyrin repeat containing; minus strand). Cytogenetic location: 7q21.2.
Variant type: single nucleotide variant.
Coding change: c.1687T>C on transcript NM_194454.3 (MANE Select); coding-DNA position 1687, T replaced by C.
Protein change: p.Tyr563His; replaces tyrosine 563 with histidine.
Molecular consequence: missense variant.
Genome position (GRCh38, 1-based): chr7:92,214,654, A>G on the plus strand (T>C on the coding strand, the complement: KRIT1 is on the minus strand). VCF-style: chr7-92214654-A-G. GRCh37 (hg19) VCF-style: chr7-91843968-A-G.
Other names: c.1543T>C, p.Tyr515His (NM_001013406.2, NM_001350669.1, NM_001350670.1); c.973T>C, p.Tyr325His (NM_001350671.1); c.1687T>C, p.Tyr563His (NM_001350672.1, NM_001350673.1, NM_001350674.1 and 26 more transcripts); short protein forms Y515H, Y325H, Y563H.
Identifiers: ClinVar variation 1362257 (VCV001362257.7), dbSNP rs2131326573, ClinGen allele CA368141715.
Genomic context (GRCh38, chr7:92,214,654, plus strand): 5'-TAATATTAAATACTTACTTTAGGAAACCTTGCTTGTGTTTTTTACTCTCATAATTTCCAT[A>G]GACTATTTGCAAAAGCAGACTTGCCAATGTTATCAGCTTAGCATCAGGAGCTGTATAAAA-3'
Protein context (NP_919436.1, residues 553-573): TLASLLLQIV[Tyr563His]GNYESKKHKQ

ClinVar aggregate classification (germline): Uncertain significance. Review status: criteria provided, multiple submitters, no conflicts (2 of 4 stars). 2 submissions from 2 submitters: Uncertain significance (2). Last evaluated 2025-07-17.

Conditions:
KRIT1-related disorder. Also called: KRIT1-related condition; KRIT1-related disorders.
Cerebral cavernous malformation (CCM). Also called: Cavernous Hemangioma of Brain; Cerebral cavernous malformations; CAVERNOUS ANGIOMA, FAMILIAL; CAVERNOUS ANGIOMATOUS MALFORMATIONS; CEREBRAL CAPILLARY MALFORMATIONS; Cerebral cavernous hemangioma (type). Identifiers: Orphanet 221061, MedGen C2919945, MONDO:0000820, OMIM 116860, HP:0033522.

Submissions (2):

PreventionGenetics, part of Exact Sciences
Classification: Uncertain significance for KRIT1-related condition. Last evaluated: 2025-07-17. Review status: criteria provided, single submitter. Criteria: ACMG Guidelines, 2015. Collection method: clinical testing. Allele origin: germline.
Comment: The KRIT1 c.1687T>C variant is predicted to result in the amino acid substitution p.Tyr563His. To our knowledge, this variant has not been reported in the literature or in a large population database (gnomAD), indicating this variant is rare. At this time, the clinical significance of this variant is uncertain due to the absence of conclusive functional and genetic evidence.

Labcorp Genetics (formerly Invitae), Labcorp
Classification: Uncertain significance for Cerebral cavernous malformation. Last evaluated: 2024-09-23. Review status: criteria provided, single submitter. Criteria: Invitae Variant Classification Sherloc (09022015). Collection method: clinical testing. Allele origin: germline.
Comment: This sequence change replaces tyrosine, which is neutral and polar, with histidine, which is basic and polar, at codon 563 of the KRIT1 protein (p.Tyr563His). This variant is not present in population databases (gnomAD no frequency). This variant has not been reported in the literature in individuals affected with KRIT1-related conditions. ClinVar contains an entry for this variant (Variation ID: 1362257). Invitae Evidence Modeling of protein sequence and biophysical properties (such as structural, functional, and spatial information, amino acid conservation, physicochemical variation, residue mobility, and thermodynamic stability) indicates that this missense variant is not expected to disrupt KRIT1 protein function with a negative predictive value of 80%. In summary, the available evidence is currently insufficient to determine the role of this variant in disease. Therefore, it has been classified as a Variant of Uncertain Significance.